The following is an entry in ClinVar:

ClinVar aggregate classification (germline): Uncertain significance (1 of 4 stars; one submission).

Allele frequency attached by ClinVar (database versions not stated): TOPMed below 0.00001.
gnomAD v4.1: 2 of 1,594,610 alleles (0.00013%); highest among the groups gnomAD compares: Non-Finnish European, 0.000085%; no homozygotes.

Submission:

Labcorp Genetics (formerly Invitae), Labcorp
Classification: Uncertain significance. Last evaluated: 2022-05-17. Review status: criteria provided, single submitter. Criteria: Invitae Variant Classification Sherloc (09022015). Collection method: clinical testing. Allele origin: germline.
Comment: In summary, the available evidence is currently insufficient to determine the role of this variant in disease. Therefore, it has been classified as a Variant of Uncertain Significance. Algorithms developed to predict the effect of missense changes on protein structure and function (SIFT, PolyPhen-2, Align-GVGD) all suggest that this variant is likely to be tolerated. This variant has not been reported in the literature in individuals affected with SAMD9-related conditions. This variant is not present in population databases (gnomAD no frequency). This sequence change replaces histidine, which is basic and polar, with tyrosine, which is neutral and polar, at codon 26 of the SAMD9 protein (p.His26Tyr).

NM_017654.4(SAMD9):c.76C>T (p.His26Tyr)

Gene: SAMD9 (sterile alpha motif domain containing 9; minus strand). Cytogenetic location: 7q21.2.
Variant type: single nucleotide variant.
Coding change: c.76C>T on transcript NM_017654.4 (MANE Select); coding-DNA position 76, C replaced by T.
Protein change: p.His26Tyr; replaces histidine 26 with tyrosine.
Molecular consequence: missense variant.
Genome position (GRCh38, 1-based): chr7:93,106,022, G>A on the plus strand (C>T on the coding strand, the complement: SAMD9 is on the minus strand). VCF-style: chr7-93106022-G-A. GRCh37 (hg19) VCF-style: chr7-92735335-G-A.
Other names: c.76C>T, p.His26Tyr (NM_001193307.2); short protein forms H26Y.
Identifiers: ClinVar variation 1989392 (VCV001989392.4), dbSNP rs1791638613, ClinGen allele CA368206343.
Genomic context (GRCh38, chr7:93,106,022, plus strand): 5'-AGACTGCTCCATTCACGTCTTGTTCAGTCAAAATTTCCCTGTGTTTTTGGTCAATCTTAT[G>A]ACTTTCTAACCACTGATTTACATCCTCTTTTGTCCAATCATCTGTATTTTCTGGAAGGTT-3'
Protein context (NP_060124.2, residues 16-36): KEDVNQWLES[His26Tyr]KIDQKHREIL